The following is an entry in ClinVar:

NM_201548.5(CERKL):c.758del (p.Met253fs)

Gene: CERKL (CERK like autophagy regulator; minus strand). Cytogenetic location: 2q31.3.
Variant type: Deletion.
Coding change: c.758del on transcript NM_201548.5 (MANE Select); coding-DNA position 758, one base deleted (T; older notation c.758delT).
Protein change: p.Met253fs; shifts the reading frame from methionine 253.
Molecular consequence: frameshift variant. On other transcripts: non-coding transcript variant (2), intron variant (2).
Genome position (GRCh38, 1-based): chr2:181,558,628, A deleted on the plus strand (T on the coding strand, the reverse complement: CERKL is on the minus strand). VCF-style (leftmost placement, unchanged base first): chr2-181558627-CA-C. GRCh37 (hg19) VCF-style: chr2-182423354-CA-C.
Other names: c.836del, p.Met279fs (NM_001030311.3); c.704del, p.Met235fs (NM_001160277.2); c.482-8920del (NM_001030312.3); c.614-8920del (NM_001030313.3); c.836delT (NM_001030311.3, NM_001030311.2); short protein forms M235fs, M253fs, M279fs.
Identifiers: ClinVar variation 1068911 (VCV001068911.15), dbSNP rs751149105, ClinGen allele CA2010669.

ClinVar aggregate classification (germline): Pathogenic. Review status: criteria provided, multiple submitters, no conflicts (2 of 4 stars). 5 submissions from 5 submitters: Pathogenic (5). Last evaluated 2025-07-14.

Conditions:
Retinitis pigmentosa (RP). Identifiers: Orphanet 791, MedGen C0035334, MeSH D012174, MONDO:0019200, OMIM 268000. Inheritance: Autosomal dominant, autosomal recessive and X linked inheritance.
Retinitis pigmentosa 26 (RP26). Identifiers: Orphanet 791, MedGen C1842127, MONDO:0012024, OMIM 608380.

Allele frequency attached by ClinVar (database versions not stated): gnomAD exomes below 0.00001; ExAC 0.00001.

Submissions (5):

Women's Health and Genetics/Laboratory Corporation of America, LabCorp
Classification: Pathogenic for Retinitis pigmentosa. Last evaluated: 2025-07-14. Review status: criteria provided, single submitter. Criteria: LabCorp Variant Classification Summary - May 2015. Collection method: clinical testing. Allele origin: germline.
Comment: Variant summary: CERKL c.836delT (p.Met279ArgfsX7) results in a premature termination codon, predicted to cause a truncation of the encoded protein or absence of the protein due to nonsense mediated decay, which are commonly known mechanisms for disease. The variant allele was found at a frequency of 4e-06 in 248816 control chromosomes. c.836delT has been observed in individuals affected with Retinitis Pigmentosa and was found to segregate within affected family members (e.g. Tang_2009). These data indicate that the variant is likely associated with disease. The following publication has been ascertained in the context of this evaluation (PMID: 19667359). ClinVar contains an entry for this variant (Variation ID: 1068911). Based on the evidence outlined above, the variant was classified as pathogenic.

Natera, Inc.
Classification: Pathogenic for Retinitis Pigmentosa 26. Last evaluated: 2025-06-08. Review status: criteria provided, single submitter. Criteria: Natera Variant Classification Schema (03/2026). Collection method: clinical testing. Allele origin: germline.
Comment: The c.836delT variant in CERKL is a frameshift variant predicted to shift the reading frame beginning at codon 279 and leads to a stop codon 7 codons downstream. This variant is expected to result in nonsense mediated decay, truncation, or a dysfunctional protein product. This variant is rare in the general population with a frequency below the threshold expected for the associated phenotype(s). This variant has been observed in one or more individuals affected with the associated recessive disease, as either homozygous or compound heterozygous with a second variant (PMID: 19667359). Additionally, this variant has been observed to segregate in affected family members (PMID: 19667359). Given the available evidence, this variant is classified as Pathogenic.

Baylor Genetics
Classification: Pathogenic for Retinitis pigmentosa 26. Last evaluated: 2024-02-07. Review status: criteria provided, single submitter. Criteria: ACMG Guidelines, 2015. Collection method: clinical testing. Allele origin: unknown.

Labcorp Genetics (formerly Invitae), Labcorp
Classification: Pathogenic. Last evaluated: 2024-01-22. Review status: criteria provided, single submitter. Criteria: Invitae Variant Classification Sherloc (09022015). Collection method: clinical testing. Allele origin: germline.
Comment: This sequence change creates a premature translational stop signal (p.Met279Argfs*7) in the CERKL gene. It is expected to result in an absent or disrupted protein product. Loss-of-function variants in CERKL are known to be pathogenic (PMID: 14681825, 23591405, 24043777). This variant is present in population databases (rs751149105, gnomAD 0.006%). This premature translational stop signal has been observed in individual(s) with retinitis pigmentosa (PMID: 19667359). In at least one individual the data is consistent with being in trans (on the opposite chromosome) from a pathogenic variant. It has also been observed to segregate with disease in related individuals. ClinVar contains an entry for this variant (Variation ID: 1068911). Algorithms developed to predict the effect of sequence changes on RNA splicing suggest that this variant may disrupt the consensus splice site. For these reasons, this variant has been classified as Pathogenic.

Juno Genomics, Hangzhou Juno Genomics, Inc
Classification: Pathogenic for Retinitis pigmentosa 26. Review status: criteria provided, single submitter. Criteria: ACMG Guidelines, 2015. Collection method: clinical testing. Allele origin: germline.
Comment: Absent from controls (or at extremely low frequency if recessive) in Genome Aggregation Database.;Null variant in a gene where loss of function (LOF) is a known mechanism of disease.;For recessive disorders, detected in trans with a pathogenic variant.

Literature cited by the submitters: PubMed 19667359 (cited by 3 submitters); PubMed 14681825 (cited by Labcorp Genetics (formerly Invitae), Labcorp); PubMed 23591405 (cited by Labcorp Genetics (formerly Invitae), Labcorp); PubMed 24043777 (cited by Labcorp Genetics (formerly Invitae), Labcorp).